The following is an entry in ClinVar:

NM_004369.4(COL6A3):c.6973C>A (p.Pro2325Thr)

Gene: COL6A3 (collagen type VI alpha 3 chain; minus strand). Cytogenetic location: 2q37.3.
Variant type: single nucleotide variant.
Coding change: c.6973C>A on transcript NM_004369.4 (MANE Select); coding-DNA position 6973, C replaced by A.
Protein change: p.Pro2325Thr; replaces proline 2325 with threonine.
Molecular consequence: missense variant.
Genome position (GRCh38, 1-based): chr2:237,347,863, G>T on the plus strand (C>A on the coding strand, the complement: COL6A3 is on the minus strand). VCF-style: chr2-237347863-G-T. GRCh37 (hg19) VCF-style: chr2-238256506-G-T.
Other names: c.5152C>A, p.Pro1718Thr (NM_057166.5); c.6355C>A, p.Pro2119Thr (NM_057167.4); short protein forms P2325T, P1718T, P2119T.
Identifiers: ClinVar variation 290231 (VCV000290231.14), dbSNP rs886044392, ClinGen allele CA10606699.
Genomic context (GRCh38, chr2:237,347,863, plus strand): 5'-TTACCCTTCGGCCTCTGATGCCTTTGGGTCCTGTTGTTCCATTTAGCCCAGGTTCACCTG[G>T]GTTACCCTGGGAAGAAAGCCGAGAAGTGGCACAGTAAGCTTTGGAACAGAAGATCTCACT-3'
Protein context (NP_004360.2, residues 2315-2335): FPGYPGPKGN[Pro2325Thr]GEPGLNGTTG

ClinVar aggregate classification (germline): Uncertain significance. Review status: criteria provided, multiple submitters, no conflicts (2 of 4 stars). 2 submissions from 2 submitters: Uncertain significance (2). Last evaluated 2025-06-11.

Conditions:
Bethlem myopathy 1A. Also called: Bethlem Muscular Dystrophy; MYOPATHY, BENIGN CONGENITAL, WITH CONTRACTURES; Bethlem myopathy 1. Identifiers: Orphanet 610, MedGen CN029274, MONDO:0024530, OMIM 158810.

gnomAD v4.1: 2 of 1,609,672 alleles (0.00012%); highest among the groups gnomAD compares: Non-Finnish European, 0.00017%; no homozygotes.

Submissions (2):

Labcorp Genetics (formerly Invitae), Labcorp
Classification: Uncertain significance for Bethlem myopathy 1A. Last evaluated: 2025-06-11. Review status: criteria provided, single submitter. Criteria: Invitae Variant Classification Sherloc (09022015). Collection method: clinical testing. Allele origin: germline.
Comment: This sequence change replaces proline, which is neutral and non-polar, with threonine, which is neutral and polar, at codon 2325 of the COL6A3 protein (p.Pro2325Thr). This variant is not present in population databases (gnomAD no frequency). This variant has not been reported in the literature in individuals affected with COL6A3-related conditions. ClinVar contains an entry for this variant (Variation ID: 290231). Invitae Evidence Modeling of protein sequence and biophysical properties (such as structural, functional, and spatial information, amino acid conservation, physicochemical variation, residue mobility, and thermodynamic stability) indicates that this missense variant is not expected to disrupt COL6A3 protein function with a negative predictive value of 80%. In summary, the available evidence is currently insufficient to determine the role of this variant in disease. Therefore, it has been classified as a Variant of Uncertain Significance.

Eurofins Ntd Llc (ga)
Classification: Uncertain significance. Last evaluated: 2016-08-08. Review status: criteria provided, single submitter. Criteria: EGL Classification Definitions 2015. Collection method: clinical testing. Allele origin: germline. Observed: 1 variant allele, 1 heterozygote.